The following is an entry in ClinVar:

ClinVar aggregate classification (germline): Uncertain significance (1 of 4 stars; one submission).

Conditions:
Cardiovascular phenotype. Identifiers: MedGen CN230736.

gnomAD v4.1: 1 of 1,614,042 alleles (0.000062%); no homozygotes.

Submission:

Ambry Genetics
Classification: Uncertain significance for Cardiovascular phenotype. Last evaluated: 2025-04-14. Review status: criteria provided, single submitter. Criteria: Ambry Variant Classification Scheme 2023. Collection method: clinical testing. Allele origin: germline.
Comment: The p.H1016D variant (also known as c.3046C>G), located in coding exon 22 of the LAMA4 gene, results from a C to G substitution at nucleotide position 3046. The histidine at codon 1016 is replaced by aspartic acid, an amino acid with similar properties. This amino acid position is conserved. In addition, this alteration is predicted to be tolerated by in silico analysis. Based on the available evidence, the clinical significance of this variant remains unclear.

NM_001105206.3(LAMA4):c.3067C>G (p.His1023Asp)

Gene: LAMA4 (laminin subunit alpha 4; minus strand). Cytogenetic location: 6q21.
Variant type: single nucleotide variant.
Coding change: c.3067C>G on transcript NM_001105206.3 (MANE Select); coding-DNA position 3067, C replaced by G.
Protein change: p.His1023Asp; replaces histidine 1023 with aspartic acid.
Molecular consequence: missense variant.
Genome position (GRCh38, 1-based): chr6:112,139,795, G>C on the plus strand (C>G on the coding strand, the complement: LAMA4 is on the minus strand). VCF-style: chr6-112139795-G-C. GRCh37 (hg19) VCF-style: chr6-112460997-G-C.
Other names: c.3046C>G, p.His1016Asp (NM_001105207.3, NM_002290.5); short protein forms H1023D, H1016D.
Identifiers: ClinVar variation 4045926 (VCV004045926.1).